The following is an entry in ClinVar:

NM_003000.3(SDHB):c.137G>T (p.Arg46Leu)

Gene: SDHB (succinate dehydrogenase complex iron sulfur subunit B; minus strand). Cytogenetic location: 1p36.13.
Variant type: single nucleotide variant.
Coding change: c.137G>T on transcript NM_003000.3 (MANE Select); coding-DNA position 137, G replaced by T.
Protein change: p.Arg46Leu; replaces arginine 46 with leucine.
Molecular consequence: missense variant.
Genome position (GRCh38, 1-based): chr1:17,044,824, C>A on the plus strand (G>T on the coding strand, the complement: SDHB is on the minus strand). VCF-style: chr1-17044824-C-A. GRCh37 (hg19) VCF-style: chr1-17371319-C-A.
Other names: short protein forms R46L.
Identifiers: ClinVar variation 412478 (VCV000412478.24), dbSNP rs772551056, ClinGen allele CA16609944.

ClinVar aggregate classification (germline): Pathogenic/Likely pathogenic. Review status: criteria provided, multiple submitters, no conflicts (2 of 4 stars). 4 submissions from 4 submitters: Pathogenic (1); Likely pathogenic (3). Last evaluated 2025-03-23.

Conditions:
Pheochromocytoma/paraganglioma syndrome 4. Also called: PARAGANGLIOMA, FAMILIAL MALIGNANT; PARAGANGLIOMAS, HEREDITARY EXTRAADRENAL; PHEOCHROMOCYTOMA, FAMILIAL EXTRAADRENAL; Paragangliomas 4; CAROTID BODY TUMORS AND MULTIPLE EXTRAADRENAL PHEOCHROMOCYTOMAS; SDHB-Related Hereditary Paraganglioma-Pheochromocytoma Syndrome (Paragangliomas 4). Identifiers: Orphanet 29072, MedGen C1861848, MONDO:0007273, OMIM 115310.
Gastrointestinal stromal tumor. Also called: Gastrointestinal stroma tumor; Gastrointestinal stromal tumor, somatic. Identifiers: Orphanet 44890, MedGen C0238198, MeSH D046152, MONDO:0011719, OMIM 606764, HP:0100723.
Pheochromocytoma. Also called: MAX-Related Hereditary Paraganglioma-Pheochromocytoma Syndrome. Identifiers: Orphanet 29072, MedGen C0031511, MONDO:0008233, OMIM 171300, HP:0002666.
Hereditary cancer-predisposing syndrome. Also called: Neoplastic Syndromes, Hereditary; Hereditary Cancer Syndrome; Hereditary neoplastic syndrome; Tumor predisposition. Identifiers: Orphanet 140162, MedGen C0027672, MeSH D009386, MONDO:0015356.

gnomAD v4.1: 2 of 1,613,968 alleles (0.00012%); highest among the groups gnomAD compares: Non-Finnish European, 0.00017%; no homozygotes.

Submissions (4):

Labcorp Genetics (formerly Invitae), Labcorp
Classification: Pathogenic for Gastrointestinal stromal tumor; Pheochromocytoma/paraganglioma syndrome 4; Pheochromocytoma. Last evaluated: 2025-03-23. Review status: criteria provided, single submitter. Criteria: Invitae Variant Classification Sherloc (09022015). Collection method: clinical testing. Allele origin: germline.
Comment: This sequence change replaces arginine, which is basic and polar, with leucine, which is neutral and non-polar, at codon 46 of the SDHB protein (p.Arg46Leu). This variant is not present in population databases (gnomAD no frequency). This missense change has been observed in individuals with pheochromocytoma and paraganglioma (PHEO-PGL) syndrome (internal data). ClinVar contains an entry for this variant (Variation ID: 412478). Invitae Evidence Modeling of protein sequence and biophysical properties (such as structural, functional, and spatial information, amino acid conservation, physicochemical variation, residue mobility, and thermodynamic stability) indicates that this missense variant is expected to disrupt SDHB protein function with a positive predictive value of 80%. Experimental studies have shown that this missense change affects SDHB function (PMID: 23175444). This variant disrupts the p.Arg46 amino acid residue in SDHB. Other variant(s) that disrupt this residue have been determined to be pathogenic (PMID: 14500403, 15328326, 25972245). This suggests that this residue is clinically significant, and that variants that disrupt this residue are likely to be disease-causing. For these reasons, this variant has been classified as Pathogenic.

GeneDx
Classification: Likely pathogenic. Last evaluated: 2024-01-04. Review status: criteria provided, single submitter. Criteria: GeneDx Variant Classification Process June 2021. Collection method: clinical testing. Allele origin: germline. Affected: yes.
Comment: Observed in individuals with a personal and/or family history of PGL/PCC referred for genetic testing at GeneDx and in published literature (PMID: 31492822, 34906457, 37529773); Functional assays in yeast demonstrated that this variant affects SDH enzyme activity (PMID: 23175444); Not observed at significant frequency in large population cohorts (gnomAD); In silico analysis supports that this missense variant has a deleterious effect on protein structure/function; This variant is associated with the following publications: (PMID: 28374168, 31492822, 34906457, 37529773, 23175444)

Myriad Genetics, Inc.
Classification: Likely pathogenic for Pheochromocytoma/paraganglioma syndrome 4. Last evaluated: 2023-10-24. Review status: criteria provided, single submitter. Criteria: Myriad Autosomal Dominant, Autosomal Recessive and X-Linked Classification Criteria (2023). Collection method: clinical testing. Allele origin: unknown.
Comment: This variant is considered likely pathogenic. This variant has been reported in multiple individuals with clinical features of gene-specific disease [PMID: 34906457, 37529773, 31492822, 28374168]. This variant is expected to disrupt protein structure [Myriad internal data].

Ambry Genetics
Classification: Likely pathogenic for Hereditary cancer-predisposing syndrome. Last evaluated: 2023-06-02. Review status: criteria provided, single submitter. Criteria: Ambry Variant Classification Scheme 2023. Collection method: clinical testing. Allele origin: germline.
Comment: The p.R46L variant (also known as c.137G>T), located in coding exon 2 of the SDHB gene, results from a G to T substitution at nucleotide position 137. The arginine at codon 46 is replaced by leucine, an amino acid with dissimilar properties. This alteration has been observed in at least one individual with a personal and/or family history that is consistent with SDHB-related disease (Ambry internal data). This alteration has been reported in a paraganglioma-pheochromocytoma cohort, and authors characterized this alteration as having severely impaired function based on reduced oxidative growth, SDH activity and respiration, as well as increased mtDNA mutability following oxidative stress (Panizza E et al. Hum. Mol. Genet., 2013 Feb;22:804-15). This amino acid position is highly conserved in available vertebrate species. In addition, this alteration is predicted to be deleterious by in silico analysis. Based on the majority of available evidence to date, this variant is likely to be pathogenic.

Literature cited by the submitters: PubMed 23175444 (cited by Labcorp Genetics (formerly Invitae), Labcorp and Ambry Genetics); PubMed 14500403 (cited by Labcorp Genetics (formerly Invitae), Labcorp); PubMed 15328326 (cited by Labcorp Genetics (formerly Invitae), Labcorp); PubMed 25972245 (cited by Labcorp Genetics (formerly Invitae), Labcorp); PubMed 34906457 (cited by Myriad Genetics, Inc.); PubMed 37529773 (cited by Myriad Genetics, Inc.); PubMed 31492822 (cited by Myriad Genetics, Inc.); PubMed 28374168 (cited by Myriad Genetics, Inc.).